The following is an entry in ClinVar:

NM_001376.5(DYNC1H1):c.7475G>A (p.Arg2492Gln)

Gene: DYNC1H1 (dynein cytoplasmic 1 heavy chain 1; plus strand). Cytogenetic location: 14q32.31.
Variant type: single nucleotide variant.
Coding change: c.7475G>A on transcript NM_001376.5 (MANE Select); coding-DNA position 7475, G replaced by A.
Protein change: p.Arg2492Gln; replaces arginine 2492 with glutamine.
Molecular consequence: missense variant.
Genome position (GRCh38, 1-based): chr14:102,016,350, G>A. VCF-style: chr14-102016350-G-A. GRCh37 (hg19) VCF-style: chr14-102482687-G-A.
Other names: short protein forms R2492Q.
Identifiers: ClinVar variation 649450 (VCV000649450.11), dbSNP rs1292509595, ClinGen allele CA391002222.

ClinVar aggregate classification (germline): Uncertain significance. Review status: criteria provided, multiple submitters, no conflicts (2 of 4 stars). 2 submissions from 2 submitters: Uncertain significance (2). Last evaluated 2024-02-24.

Conditions:
Charcot-Marie-Tooth disease axonal type 2O. Also called: CHARCOT-MARIE-TOOTH NEUROPATHY, AXONAL, TYPE 2O; CHARCOT-MARIE-TOOTH DISEASE, AXONAL, AUTOSOMAL DOMINANT, TYPE 2O; Charcot-Marie-Tooth Neuropathy Type 2O; Charcot-Marie-Tooth disease, axonal, type 20. Identifiers: Orphanet 284232, MedGen C3280220, MONDO:0013644, OMIM 614228.

Allele frequency attached by ClinVar (database versions not stated): gnomAD exomes below 0.00001 and 0.00001; gnomAD 0.00001; TOPMed 0.00001.
gnomAD v4.1: 8 of 1,613,916 alleles (0.0005%); highest among the groups gnomAD compares: East Asian, 0.0022%; no homozygotes.

Submissions (2):

Labcorp Genetics (formerly Invitae), Labcorp
Classification: Uncertain significance for Charcot-Marie-Tooth disease axonal type 2O. Last evaluated: 2024-02-24. Review status: criteria provided, single submitter. Criteria: Invitae Variant Classification Sherloc (09022015). Collection method: clinical testing. Allele origin: germline.
Comment: This sequence change replaces arginine, which is basic and polar, with glutamine, which is neutral and polar, at codon 2492 of the DYNC1H1 protein (p.Arg2492Gln). This variant is present in population databases (no rsID available, gnomAD 0.0009%). This variant has not been reported in the literature in individuals affected with DYNC1H1-related conditions. ClinVar contains an entry for this variant (Variation ID: 649450). An algorithm developed to predict the effect of missense changes on protein structure and function (PolyPhen-2) suggests that this variant is likely to be tolerated. In summary, the available evidence is currently insufficient to determine the role of this variant in disease. Therefore, it has been classified as a Variant of Uncertain Significance.

Blueprint Genetics
Classification: Uncertain significance. Last evaluated: 2023-06-16. Review status: criteria provided, single submitter. Criteria: ACMG Guidelines, 2015. Collection method: clinical testing. Allele origin: germline.